The following is an entry in ClinVar:

NM_001394062.1(MACF1):c.386A>G (p.His129Arg)

Gene: MACF1 (microtubule actin crosslinking factor 1; plus strand). Cytogenetic location: 1p34.3.
Variant type: single nucleotide variant.
Coding change: c.386A>G on transcript NM_001394062.1 (MANE Select); coding-DNA position 386, A replaced by G.
Protein change: p.His129Arg; replaces histidine 129 with arginine.
Molecular consequence: missense variant.
Genome position (GRCh38, 1-based): chr1:39,254,326, A>G. VCF-style: chr1-39254326-A-G. GRCh37 (hg19) VCF-style: chr1-39719998-A-G.
Other names: c.401A>G, p.His134Arg (NM_012090.5); short protein forms H129R, H134R.
Identifiers: ClinVar variation 2663709 (VCV002663709.1), dbSNP rs1049453803, ClinGen allele CA339754080.

ClinVar aggregate classification (germline): Uncertain significance (1 of 4 stars; one submission).

Submission:

GeneDx
Classification: Uncertain significance. Last evaluated: 2023-05-16. Review status: criteria provided, single submitter. Criteria: GeneDx Variant Classification Process June 2021. Collection method: clinical testing. Allele origin: germline. Affected: yes.
Comment: Not observed at significant frequency in large population cohorts (gnomAD); In silico analysis supports that this missense variant has a deleterious effect on protein structure/function; Has not been previously published as pathogenic or benign to our knowledge